The following is an entry in ClinVar:

NM_004946.3(DOCK2):c.4690G>A (p.Asp1564Asn)

Gene: DOCK2 (dedicator of cytokinesis 2; plus strand). Cytogenetic location: 5q35.1.
Variant type: single nucleotide variant.
Coding change: c.4690G>A on transcript NM_004946.3 (MANE Select); coding-DNA position 4690, G replaced by A.
Protein change: p.Asp1564Asn; replaces aspartic acid 1564 with asparagine.
Molecular consequence: missense variant. On other transcripts: non-coding transcript variant (1).
Genome position (GRCh38, 1-based): chr5:170,069,182, G>A. VCF-style: chr5-170069182-G-A. GRCh37 (hg19) VCF-style: chr5-169496186-G-A.
Other names: short protein forms D1564N.
Identifiers: ClinVar variation 943815 (VCV000943815.7), dbSNP rs199902117, ClinGen allele CA3554620.

ClinVar aggregate classification (germline): Uncertain significance (1 of 4 stars; one submission).

Conditions:
DOCK2 deficiency. Also called: Immunodeficiency 40. Identifiers: Orphanet 447737, MedGen C4225328, MONDO:0014637, OMIM 616433.

Allele frequency attached by ClinVar (database versions not stated): gnomAD exomes 0.00001 and 0.00006; ExAC 0.00003; gnomAD 0.00009 and 0.00010; TOPMed 0.00009; 1000 Genomes Project 30x 0.00016; 1000 Genomes Project 0.00020.
gnomAD v4.1: 34 of 1,614,126 alleles (0.0021%); highest among the groups gnomAD compares: Admixed American, 0.028%; no homozygotes.

Submission:

Labcorp Genetics (formerly Invitae), Labcorp
Classification: Uncertain significance for DOCK2 deficiency. Last evaluated: 2022-08-31. Review status: criteria provided, single submitter. Criteria: Invitae Variant Classification Sherloc (09022015). Collection method: clinical testing. Allele origin: germline.
Comment: This sequence change replaces aspartic acid, which is acidic and polar, with asparagine, which is neutral and polar, at codon 1564 of the DOCK2 protein (p.Asp1564Asn). This variant is present in population databases (rs199902117, gnomAD 0.03%). This variant has not been reported in the literature in individuals affected with DOCK2-related conditions. ClinVar contains an entry for this variant (Variation ID: 943815). Algorithms developed to predict the effect of missense changes on protein structure and function (SIFT, PolyPhen-2, Align-GVGD) all suggest that this variant is likely to be tolerated. In summary, the available evidence is currently insufficient to determine the role of this variant in disease. Therefore, it has been classified as a Variant of Uncertain Significance.